The following is an entry in ClinVar:

NM_001042492.3(NF1):c.7405G>T (p.Glu2469Ter)

Gene: NF1 (neurofibromin 1; plus strand). Cytogenetic location: 17q11.2.
Variant type: single nucleotide variant.
Coding change: c.7405G>T on transcript NM_001042492.3 (MANE Select); coding-DNA position 7405, G replaced by T.
Protein change: p.Glu2469Ter; replaces glutamic acid 2469 with a stop codon.
Molecular consequence: nonsense.
Genome position (GRCh38, 1-based): chr17:31,350,266, G>T. VCF-style: chr17-31350266-G-T. GRCh37 (hg19) VCF-style: chr17-29677284-G-T.
Other names: c.7342G>T, p.Glu2448Ter (NM_000267.4); short protein forms E2448*, E2469*.
Identifiers: ClinVar variation 1076950 (VCV001076950.6), dbSNP rs2151574502, ClinGen allele CA399017118.

ClinVar aggregate classification (germline): Pathogenic (1 of 4 stars; one submission).

Conditions:
Neurofibromatosis, type 1 (NF1). Also called: VON RECKLINGHAUSEN DISEASE; Peripheral type neurofibromatosis; NEUROFIBROMATOSIS, TYPE I, SOMATIC; Neurofibromatosis, type I. Identifiers: Orphanet 636, MedGen C0027831, MONDO:0018975, OMIM 162200. Disease mechanism: loss of function.

Submissions (2):

Labcorp Genetics (formerly Invitae), Labcorp
Classification: Pathogenic for Neurofibromatosis, type 1. Last evaluated: 2022-03-12. Review status: criteria provided, single submitter. Criteria: Invitae Variant Classification Sherloc (09022015). Collection method: clinical testing. Allele origin: germline.
Comment: This variant is not present in population databases (gnomAD no frequency). For these reasons, this variant has been classified as Pathogenic. This variant has not been reported in the literature in individuals affected with NF1-related conditions. ClinVar contains an entry for this variant (Variation ID: 1076950). This sequence change creates a premature translational stop signal (p.Glu2448*) in the NF1 gene. It is expected to result in an absent or disrupted protein product. Loss-of-function variants in NF1 are known to be pathogenic (PMID: 10712197, 23913538).

Dr. Peter K. Rogan Lab, Western University
No classification provided (evidence only). Condition: Thymoma. Review status: no classification provided. Collection method: in vitro. Allele origin: not applicable. Functional consequence: retained intron. Not counted in ClinVar's aggregate classification.

Literature cited by the submitters: PubMed 10712197 (cited by Labcorp Genetics (formerly Invitae), Labcorp); PubMed 23913538 (cited by Labcorp Genetics (formerly Invitae), Labcorp).